The following is an entry in ClinVar:

ClinVar aggregate classification (germline): Uncertain significance (1 of 4 stars; one submission).

Conditions:
Frontotemporal dementia (FTD1). Also called: MULTIPLE SYSTEM TAUOPATHY WITH PRESENILE DEMENTIA; Frontotemporal lobe dementia (FLDEM); WILHELMSEN-LYNCH DISEASE; Frontotemporal Dementia with Parkinsonism-17 (FTDP-17); FRONTOTEMPORAL LOBAR DEGENERATION WITH TAU INCLUSIONS; FTLD WITH TAU INCLUSIONS. Identifiers: Orphanet 282, MedGen C0338451, MONDO:0017276, OMIM 600274, HP:0002145.

Submission:

Labcorp Genetics (formerly Invitae), Labcorp
Classification: Uncertain significance for Frontotemporal dementia. Last evaluated: 2023-01-16. Review status: criteria provided, single submitter. Criteria: Invitae Variant Classification Sherloc (09022015). Collection method: clinical testing. Allele origin: germline.
Comment: This sequence change falls in intron 3 of the MAPT gene. It does not directly change the encoded amino acid sequence of the MAPT protein. It affects a nucleotide within the consensus splice site. This variant is not present in population databases (gnomAD no frequency). This variant has not been reported in the literature in individuals affected with MAPT-related conditions. Variants that disrupt the consensus splice site are a relatively common cause of aberrant splicing (PMID: 17576681, 9536098). Algorithms developed to predict the effect of sequence changes on RNA splicing suggest that this variant may disrupt the consensus splice site. In summary, the available evidence is currently insufficient to determine the role of this variant in disease. Therefore, it has been classified as a Variant of Uncertain Significance.

Literature cited by the submitters: PubMed 17576681; PubMed 9536098.

NM_001377265.1(MAPT):c.220+5del

Gene: MAPT (microtubule associated protein tau). Cytogenetic location: 17q21.31.
Variant type: Deletion.
Coding change: c.220+5del on transcript NM_001377265.1 (MANE Select); 5 bases into the intron after coding-DNA position 220, one base deleted.
Molecular consequence: intron variant.
Genome position: GRCh38 VCF-style: chr17-45971947-TG-T. GRCh37 (hg19) VCF-style: chr17-44049313-TG-T.
Other names: c.134-6425del (NM_001377268.1, NM_016834.5, NM_016841.5); c.220+5del (NM_001123066.4, NM_016835.5, NM_005910.6 and 5 more transcripts).
Identifiers: ClinVar variation 2829189 (VCV002829189.3), dbSNP rs2509593495, ClinGen allele CA2739265586.